The following is an entry in ClinVar:

NC_000002.11:g.(?_3391395)_(3428454_?)del

Gene: TRAPPC12 (trafficking protein particle complex subunit 12; plus strand). Cytogenetic location: 2p25.3.
Variant type: Deletion.
Identifiers: ClinVar variation 2424126 (VCV002424126.4).

ClinVar aggregate classification (germline): Pathogenic (1 of 4 stars; one submission).

Submission:

Labcorp Genetics (formerly Invitae), Labcorp
Classification: Pathogenic. Last evaluated: 2022-07-27. Review status: criteria provided, single submitter. Criteria: Invitae Variant Classification Sherloc (09022015). Collection method: clinical testing. Allele origin: germline.
Comment: This variant is a gross deletion of the genomic region encompassing exon(s) 2-5 of the TRAPPC12 gene, which includes the initiator codon. This deletion extends beyond the assayed region for this gene and therefore may encompass additional genes. It is expected to result in an absent or disrupted protein product. Loss-of-function variants in TRAPPC12 are known to be pathogenic (PMID: 28777934). This variant has not been reported in the literature in individuals affected with TRAPPC12-related conditions. For these reasons, this variant has been classified as Pathogenic.

Literature cited by the submitters: PubMed 28777934.